The following is an entry in ClinVar:

ClinVar aggregate classification (germline): Uncertain significance (1 of 4 stars; one submission).

Conditions:
Hereditary cancer-predisposing syndrome. Also called: Hereditary Cancer Syndrome; Hereditary neoplastic syndrome; Neoplastic Syndromes, Hereditary; Tumor predisposition. Identifiers: Orphanet 140162, MedGen C0027672, MeSH D009386, MONDO:0015356.

Allele frequency attached by ClinVar (database versions not stated): TOPMed below 0.00001.

Submission:

Ambry Genetics
Classification: Uncertain significance for Hereditary cancer-predisposing syndrome. Last evaluated: 2021-05-04. Review status: criteria provided, single submitter. Criteria: Ambry Variant Classification Scheme 2023. Collection method: clinical testing. Allele origin: germline.
Comment: The c.104_106dupTAA variant (also known as p.L35_S36insI), located in coding exon 2 of the PMS2 gene, results from an in-frame duplication of TAA at nucleotide positions 104 to 106. This results in the insertion of one residue between codons 35 and 36. This amino acid region is well conserved in available vertebrate species. In addition, this alteration is predicted to be deleterious by in silico analysis (Choi Y et al. PLoS ONE. 2012; 7(10):e46688). Since supporting evidence is limited at this time, the clinical significance of this alteration remains unclear.

NM_000535.7(PMS2):c.104_106dup (p.Leu35_Ser36insIle)

Gene: PMS2 (PMS1 homolog 2, mismatch repair system component; minus strand). Cytogenetic location: 7p22.1.
Variant type: Duplication.
Coding change: c.104_106dup on transcript NM_000535.7 (MANE Select); coding-DNA positions 104 to 106, 3 bases duplicated (TAA; older notation c.104_106dupTAA).
Protein change: p.Leu35_Ser36insIle.
Molecular consequence: inframe insertion. On other transcripts: 5 prime UTR variant (8), inframe indel (13), non-coding transcript variant (1), intron variant (3).
Genome position (GRCh38, 1-based): chr7:6,005,949-6,005,951, TTA duplicated on the plus strand (TAA on the coding strand, the reverse complement: PMS2 is on the minus strand). VCF-style (leftmost placement, unchanged base first): chr7-6005948-C-CTTA. GRCh37 (hg19) VCF-style: chr7-6045579-C-CTTA.
Other names: c.-302_-300dup (NM_001018040.1, NM_001322003.2, NM_001322005.2 and 11 more transcripts); c.104_106dup, p.Leu35_Ser36insIle (NM_001322006.2, NM_001322014.2, NM_001406868.1 and 10 more transcripts); c.-112_-110dup (NM_001322007.2, NM_001406876.1, NM_001406883.1 and 4 more transcripts); c.-781_-779dup (NM_001322011.2, NM_001322012.2); c.-381_-379dup (NM_001322015.2, NM_001406875.1, NM_001406877.1 and 2 more transcripts); c.290_292dup, p.Leu97_Ser98insIle (NM_001406866.1); c.-328_-326dup (NM_001406880.1); c.-249_-247dup (NM_001406888.1, NM_001406889.1, NM_001406892.1 and 5 more transcripts); and 5 more.
Identifiers: ClinVar variation 1773855 (VCV001773855.2), dbSNP rs1785700894, ClinGen allele CA1685264078.